The following is an entry in ClinVar:

NM_000195.5(HPS1):c.868-2A>G

Gene: HPS1 (HPS1 biogenesis of lysosomal organelles complex 3 subunit 1; minus strand). Cytogenetic location: 10q24.2.
Variant type: single nucleotide variant.
Coding change: c.868-2A>G on transcript NM_000195.5 (MANE Select); the canonical splice acceptor site of the intron before coding-DNA position 868, A replaced by G.
Molecular consequence: splice acceptor variant.
Genome position (GRCh38, 1-based): chr10:98,429,644, T>C on the plus strand (A>G on the coding strand, the complement: HPS1 is on the minus strand). VCF-style: chr10-98429644-T-C. GRCh37 (hg19) VCF-style: chr10-100189401-T-C.
Other names: c.499-2A>G (NM_001322483.2, NM_001322484.2); c.607-2A>G (NM_001322480.2, NM_001322481.2); c.769-2A>G (NM_001322478.2, NM_001322479.2, NM_001322491.2); c.868-2A>G (NM_001322476.2, NM_001322477.2, NM_182639.4); c.400-2A>G (NM_001322485.2); c.508-2A>G (NM_001322482.2); c.-105-2A>G (NM_001322489.2, NM_001311345.2, NM_001322487.2); c.651-2A>G (NM_001322492.2); and 1 more.
Identifiers: ClinVar variation 4817890 (VCV004817890.1).

ClinVar aggregate classification (germline): Pathogenic (1 of 4 stars; one submission).

Conditions:
Hermansky-Pudlak syndrome (HPS). Also called: ALBINISM WITH HEMORRHAGIC DIATHESIS AND PIGMENTED RETICULOENDOTHELIAL CELLS. Identifiers: Orphanet 79430, MedGen C0079504, MONDO:0019312.

Submission:

Natera, Inc.
Classification: Pathogenic for Hermansky-Pudlak syndrome. Last evaluated: 2026-01-18. Review status: criteria provided, single submitter. Criteria: Natera Variant Classification Schema (03/2026). Collection method: clinical testing. Allele origin: germline.
Comment: The c.868-2A>G variant in HPS1 is a canonical splice acceptor site variant predicted to affect pre-mRNA splicing, which may result in an abnormal transcript and altered protein product. This variant is expected to result in nonsense mediated decay, truncation, or a dysfunctional protein product. This variant is rare in the general population with a frequency below the threshold expected for the associated phenotype(s). This variant has been observed in one or more individuals affected with the associated recessive disease, as either homozygous or compound heterozygous with a second variant (PMID: 30387913). Given the available evidence, this variant is classified as Pathogenic.

Literature cited by the submitters: PubMed 30387913.